The following is an entry in ClinVar:

ClinVar aggregate classification (germline): Uncertain significance. Review status: criteria provided, single submitter (1 of 4 stars). 2 submissions from 2 submitters: Uncertain significance (1). 1 of the submissions does not count toward it. Last evaluated 2023-10-13.

Conditions:
Combined immunodeficiency due to LRBA deficiency. Also called: Common variable immunodeficiency 8, with autoimmunity. Identifiers: Orphanet 445018, MedGen C3553512, MONDO:0013863, OMIM 614700.

Allele frequency attached by ClinVar (database versions not stated): gnomAD 0.00001; gnomAD exomes 0.00001; TOPMed 0.00001.
gnomAD v4.1: 20 of 1,613,096 alleles (0.0012%); highest among the groups gnomAD compares: Admixed American, 0.0033%; no homozygotes.

Submissions (2):

Labcorp Genetics (formerly Invitae), Labcorp
Classification: Uncertain significance for Combined immunodeficiency due to LRBA deficiency. Last evaluated: 2023-10-13. Review status: criteria provided, single submitter. Criteria: Invitae Variant Classification Sherloc (09022015). Collection method: clinical testing. Allele origin: germline.
Comment: This sequence change replaces lysine, which is basic and polar, with glutamic acid, which is acidic and polar, at codon 2298 of the LRBA protein (p.Lys2298Glu). This variant is present in population databases (no rsID available, gnomAD 0.007%). This variant has not been reported in the literature in individuals affected with LRBA-related conditions. ClinVar contains an entry for this variant (Variation ID: 943847). Advanced modeling of protein sequence and biophysical properties (such as structural, functional, and spatial information, amino acid conservation, physicochemical variation, residue mobility, and thermodynamic stability) performed at Invitae indicates that this missense variant is not expected to disrupt LRBA protein function. In summary, the available evidence is currently insufficient to determine the role of this variant in disease. Therefore, it has been classified as a Variant of Uncertain Significance.

UOSD Laboratory of Genetics & Genomics of Rare Diseases, Istituto Giannina Gaslini
Classification: Uncertain significance for Combined immunodeficiency due to LRBA deficiency. Last evaluated: 2020-05-21. Review status: no assertion criteria provided. Collection method: clinical testing. Allele origin: germline. Affected: yes. Observed: 1 variant allele. Not counted in ClinVar's aggregate classification.

NM_001364905.1(LRBA):c.6859A>G (p.Lys2287Glu)

Gene: LRBA (LPS responsive beige-like anchor protein; minus strand). Cytogenetic location: 4q31.3.
Variant type: single nucleotide variant.
Coding change: c.6859A>G on transcript NM_001364905.1 (MANE Select); coding-DNA position 6859, A replaced by G.
Protein change: p.Lys2287Glu; replaces lysine 2287 with glutamic acid.
Molecular consequence: missense variant.
Genome position (GRCh38, 1-based): chr4:150,436,786, T>C on the plus strand (A>G on the coding strand, the complement: LRBA is on the minus strand). VCF-style: chr4-150436786-T-C. GRCh37 (hg19) VCF-style: chr4-151357938-T-C.
Other names: c.6859A>G, p.Lys2287Glu (NM_001199282.3, NM_001367550.1); c.6892A>G, p.Lys2298Glu (NM_006726.5); short protein forms K2287E, K2298E.
Identifiers: ClinVar variation 943847 (VCV000943847.9), dbSNP rs950337550, ClinGen allele CA108349092.